The following is an entry in ClinVar:

ClinVar aggregate classification (germline): Pathogenic (1 of 4 stars; one submission).

Submission:

Ambry Genetics
Classification: Pathogenic. Last evaluated: 2025-07-08. Review status: criteria provided, single submitter. Criteria: Ambry Variant Classification Scheme 2023. Collection method: clinical testing. Allele origin: germline.
Comment: The c.499C>T (p.R167*) alteration, located in exon 5 (coding exon 5) of the GSK3B gene, consists of a C to T substitution at nucleotide position 499. This changes the amino acid from an arginine (R) to a stop codon at amino acid position 167. This alteration is expected to result in loss of function by premature protein truncation or nonsense-mediated mRNA decay. This variant was not reported in population-based cohorts in the Genome Aggregation Database (gnomAD). Based on the available evidence, this alteration is classified as pathogenic.

NM_001146156.2(GSK3B):c.499C>T (p.Arg167Ter)

Gene: GSK3B (glycogen synthase kinase 3 beta; minus strand). Cytogenetic location: 3q13.33.
Variant type: single nucleotide variant.
Coding change: c.499C>T on transcript NM_001146156.2 (MANE Select); coding-DNA position 499, C replaced by T.
Protein change: p.Arg167Ter; replaces arginine 167 with a stop codon.
Molecular consequence: nonsense.
Genome position (GRCh38, 1-based): chr3:119,916,153, G>A on the plus strand (C>T on the coding strand, the complement: GSK3B is on the minus strand). VCF-style: chr3-119916153-G-A. GRCh37 (hg19) VCF-style: chr3-119635000-G-A.
Other names: c.499C>T, p.Arg167Ter (NM_001354596.2, NM_002093.4); short protein forms R167*.
Identifiers: ClinVar variation 4267536 (VCV004267536.1).
Genomic context (GRCh38, chr3:119,916,153, plus strand): 5'-GGTTCTGCGGTTTAATATCCCGATGGCAGATTCCAAAGGAATGGATATAGGCTAAACTTC[G>A]GAACAGCTGATACATATACAACTGGAATAGATAGTAGAAATTAATTAAATACTTCCTATT-3'